The following is an entry in ClinVar:

NM_000540.3(RYR1):c.2108G>A (p.Gly703Asp)

Gene: RYR1 (ryanodine receptor 1; plus strand). Cytogenetic location: 19q13.2.
Variant type: single nucleotide variant.
Coding change: c.2108G>A on transcript NM_000540.3 (MANE Select); coding-DNA position 2108, G replaced by A.
Protein change: p.Gly703Asp; replaces glycine 703 with aspartic acid.
Molecular consequence: missense variant.
Genome position (GRCh38, 1-based): chr19:38,458,233, G>A. VCF-style: chr19-38458233-G-A. GRCh37 (hg19) VCF-style: chr19-38948873-G-A.
Other names: c.2108G>A, p.Gly703Asp (NM_001042723.2); short protein forms G703D.
Identifiers: ClinVar variation 858982 (VCV000858982.10), dbSNP rs1448234735, ClinGen allele CA405697410.
Genomic context (GRCh38, chr19:38,458,233, plus strand): 5'-TGGGCTGGGCCCTCACCGAGGGCTACACCCCCTACCCTGGGGCCGGCGAGGGCTGGGGCG[G>A]CAACGGGGTCGGCGATGACCTCTATTCCTACGGCTTTGATGGACTGCATCTCTGGACAGG-3'
Protein context (NP_000531.2, residues 693-713): PYPGAGEGWG[Gly703Asp]NGVGDDLYSY

ClinVar aggregate classification (germline): Uncertain significance. Review status: criteria provided, multiple submitters, no conflicts (2 of 4 stars). 3 submissions from 3 submitters: Uncertain significance (3). Last evaluated 2025-10-02.

Conditions:
RYR1-related disorder. Also called: RYR1-related disorders; RYR1-related condition. Identifiers: MedGen CN239331.
Malignant hyperthermia, susceptibility to, 1 (MHS1). Also called: Malignant hyperthermia suceptibility 1; RYR1-Related Malignant Hyperthermia Susceptibility; Anesthesia related hyperthermia; Malignant hyperpyrexia; Fulminating hyperpyrexia; Pharmacogenic myopathy. Identifiers: Orphanet 423, MedGen C2930980, MONDO:0007783, OMIM 145600.

Allele frequency attached by ClinVar (database versions not stated): gnomAD exomes below 0.00001; TOPMed below 0.00001; gnomAD 0.00001.
gnomAD v4.1: 5 of 1,613,844 alleles (0.00031%); highest among the groups gnomAD compares: African/African-American, 0.0013%; no homozygotes.

Submissions (3):

Labcorp Genetics (formerly Invitae), Labcorp
Classification: Uncertain significance for RYR1-related disorder. Last evaluated: 2025-10-02. Review status: criteria provided, single submitter. Criteria: Invitae Variant Classification Sherloc (09022015). Collection method: clinical testing. Allele origin: germline.
Comment: This sequence change replaces glycine, which is neutral and non-polar, with aspartic acid, which is acidic and polar, at codon 703 of the RYR1 protein (p.Gly703Asp). This variant is not present in population databases (gnomAD no frequency). This variant has not been reported in the literature in individuals affected with RYR1-related conditions. ClinVar contains an entry for this variant (Variation ID: 858982). Invitae Evidence Modeling of protein sequence and biophysical properties (such as structural, functional, and spatial information, amino acid conservation, physicochemical variation, residue mobility, and thermodynamic stability) indicates that this missense variant is not expected to disrupt RYR1 protein function with a negative predictive value of 95%. In summary, the available evidence is currently insufficient to determine the role of this variant in disease. Therefore, it has been classified as a Variant of Uncertain Significance.

GeneDx
Classification: Uncertain significance. Last evaluated: 2025-06-21. Review status: criteria provided, single submitter. Criteria: GeneDx Variant Classification Process June 2021. Collection method: clinical testing. Allele origin: germline. Affected: yes.
Comment: Not observed at significant frequency in large population cohorts (gnomAD); In silico analysis supports that this missense variant has a deleterious effect on protein structure/function; Has not been previously published as pathogenic or benign to our knowledge

Color Diagnostics, LLC DBA Color Health
Classification: Uncertain significance for Malignant hyperthermia, susceptibility to, 1. Last evaluated: 2024-01-30. Review status: criteria provided, single submitter. Criteria: ACMG Guidelines, 2015. Collection method: clinical testing. Allele origin: germline.
Comment: This missense variant replaces glycine with aspartic acid at codon 703 of the RYR1 protein. Computational prediction is inconclusive regarding the impact of this variant on protein structure and function. To our knowledge, functional studies have not been reported for this variant. This variant has not been reported in individuals affected with RYR1-related disorders in the literature. This variant has been identified in 1/249360 chromosomes in the general population by the Genome Aggregation Database (gnomAD). The available evidence is insufficient to determine the role of this variant in disease conclusively. Therefore, this variant is classified as a Variant of Uncertain Significance.